The following is an entry in ClinVar:

ClinVar aggregate classification (germline): Pathogenic (0 of 4 stars; one submission).

Submission:

GenMed Metabolism Lab
Classification: Pathogenic. Review status: no assertion criteria provided. Collection method: not provided. Allele origin: unknown.
ClinVar note: Converted during submission from pathogenic to Pathogenic.

NM_000531.6(OTC):c.764A>C (p.His255Pro)

Gene: OTC (ornithine transcarbamylase; plus strand). Cytogenetic location: Xp11.4.
Variant type: single nucleotide variant.
Coding change: c.764A>C on transcript NM_000531.6 (MANE Select); coding-DNA position 764, A replaced by C.
Protein change: p.His255Pro; replaces histidine 255 with proline.
Molecular consequence: missense variant.
Genome position (GRCh38, 1-based): chrX:38,408,922, A>C. VCF-style: chrX-38408922-A-C. GRCh37 (hg19) VCF-style: chrX-38268175-A-C.
Other names: short protein forms H255P.
Identifiers: ClinVar variation 97312 (VCV000097312.2), dbSNP rs72558440, ClinGen allele CA224772.